The following is an entry in ClinVar:

NM_014244.5(ADAMTS2):c.2486C>A (p.Ser829Ter)

Gene: ADAMTS2 (ADAM metallopeptidase with thrombospondin type 1 motif 2; minus strand). Cytogenetic location: 5q35.3.
Variant type: single nucleotide variant.
Coding change: c.2486C>A on transcript NM_014244.5 (MANE Select); coding-DNA position 2486, C replaced by A.
Protein change: p.Ser829Ter; replaces serine 829 with a stop codon.
Molecular consequence: nonsense.
Genome position (GRCh38, 1-based): chr5:179,128,090, G>T on the plus strand (C>A on the coding strand, the complement: ADAMTS2 is on the minus strand). VCF-style: chr5-179128090-G-T. GRCh37 (hg19) VCF-style: chr5-178555091-G-T.
Other names: short protein forms S829*.
Identifiers: ClinVar variation 1724314 (VCV001724314.2), dbSNP rs1226951327, ClinGen allele CA362423491.

ClinVar aggregate classification (germline): Likely pathogenic (1 of 4 stars; one submission).

Conditions:
Ehlers-Danlos syndrome, dermatosparaxis type. Also called: EDS VIIC; Dermatosparaxis; Ehlers-Danlos syndrome, type VII, autosomal recessive. Identifiers: Orphanet 1901, MedGen C2700425, MONDO:0009161, OMIM 225410.

Submission:

Myriad Genetics, Inc.
Classification: Likely pathogenic for Ehlers-Danlos syndrome, dermatosparaxis type. Last evaluated: 2022-02-05. Review status: criteria provided, single submitter. Criteria: Myriad Women's Health Autosomal Recessive and X-Linked Classification Criteria (2021). Collection method: clinical testing. Allele origin: unknown.
Comment: NM_014244.4(ADAMTS2):c.2486C>A(S829*) is expected to be pathogenic in the context of Ehlers-Danlos syndrome type VIIC. This variant is predicted to lead to an abnormal or absent protein product due to the creation of a premature termination codon in ADAMTS2, a gene where loss-of-function variants are known to be pathogenic. Please note: this variant was assessed in the context of healthy population screening.